The following is an entry in ClinVar:

NM_032977.4(CASP10):c.441+3G>A

Gene: CASP10 (caspase 10; plus strand). Cytogenetic location: 2q33.1.
Variant type: single nucleotide variant.
Coding change: c.441+3G>A on transcript NM_032977.4 (MANE Select); 3 bases into the intron after coding-DNA position 441, G replaced by A.
Molecular consequence: intron variant.
Genome position (GRCh38, 1-based): chr2:201,187,802, G>A. VCF-style: chr2-201187802-G-A. GRCh37 (hg19) VCF-style: chr2-202052525-G-A.
Other names: c.441+3G>A (NM_032974.5, NM_001206542.2, NM_032976.4 and 3 more transcripts).
Identifiers: ClinVar variation 3756631 (VCV003756631.3).

ClinVar aggregate classification (germline): Conflicting classifications of pathogenicity. Review status: criteria provided, conflicting classifications (1 of 4 stars). 2 submissions from 2 submitters: Uncertain significance (1); Likely benign (1). Last evaluated 2025-04-10.

Conditions:
Autoimmune lymphoproliferative syndrome type 2A (ALPS2A). Also called: AUTOIMMUNE LYMPHOPROLIFERATIVE SYNDROME, TYPE IIA; CASP10-Related Autoimmune Lymphoproliferative Syndrome; Autoimmune lymphoproliferative syndrome type 2. Identifiers: Orphanet 3261, MedGen C1858968, MONDO:0011383, OMIM 603909.

gnomAD v4.1: 38 of 1,607,148 alleles (0.0024%); highest among the groups gnomAD compares: African/African-American, 0.004%; no homozygotes.

Submissions (2):

Labcorp Genetics (formerly Invitae), Labcorp
Classification: Uncertain significance for Autoimmune lymphoproliferative syndrome type 2A. Last evaluated: 2025-04-10. Review status: criteria provided, single submitter. Criteria: Invitae Variant Classification Sherloc (09022015). Collection method: clinical testing. Allele origin: germline.
Comment: This sequence change falls in intron 3 of the CASP10 gene. It does not directly change the encoded amino acid sequence of the CASP10 protein. It affects a nucleotide within the consensus splice site. This variant is present in population databases (rs776272969, gnomAD 0.008%). This variant has not been reported in the literature in individuals affected with CASP10-related conditions. ClinVar contains an entry for this variant (Variation ID: 3756631). Variants that disrupt the consensus splice site are a relatively common cause of aberrant splicing (PMID: 17576681, 9536098). Algorithms developed to predict the effect of sequence changes on RNA splicing suggest that this variant is not likely to affect RNA splicing. In summary, the available evidence is currently insufficient to determine the role of this variant in disease. Therefore, it has been classified as a Variant of Uncertain Significance.

Blueprint Genetics
Classification: Likely benign. Last evaluated: 2022-08-09. Review status: criteria provided, single submitter. Criteria: ACMG Guidelines, 2015. Collection method: clinical testing. Allele origin: germline.

Literature cited by the submitters: PubMed 17576681 (cited by Labcorp Genetics (formerly Invitae), Labcorp); PubMed 9536098 (cited by Labcorp Genetics (formerly Invitae), Labcorp).